The following is an entry in ClinVar:

NM_001680.5(FXYD2):c.-10A>G

Genes: FXYD2 (FXYD domain containing ion transport regulator 2; minus strand), FXYD6-FXYD2 (FXYD6-FXYD2 readthrough; minus strand). Cytogenetic location: 11q23.3.
Variant type: single nucleotide variant.
Coding change: c.-10A>G on transcript NM_001680.5 (MANE Select); 10 bases upstream of the start codon, A replaced by G.
Molecular consequence: 5 prime UTR variant. On other transcripts: intron variant (3).
Genome position (GRCh38, 1-based): chr11:117,824,688, T>C on the plus strand (A>G on the coding strand, the complement: FXYD2 is on the minus strand). VCF-style: chr11-117824688-T-C. GRCh37 (hg19) VCF-style: chr11-117695403-T-C.
Other names: p.?; c.273-1971A>G (NM_001243598.4); c.260-1971A>G (NM_001204268.3); c.20-1971A>G (NM_021603.4).
Identifiers: ClinVar variation 302527 (VCV000302527.9), dbSNP rs12279985, ClinGen allele CA6297896.

ClinVar aggregate classification (germline): Benign. Review status: criteria provided, multiple submitters, no conflicts (2 of 4 stars). 4 submissions from 4 submitters: Benign (4). Last evaluated 2023-03-26.

Conditions:
Renal hypomagnesemia 2 (HOMG2). Also called: MAGNESIUM LOSS, ISOLATED RENAL. Identifiers: Orphanet 34528, MedGen C1835171, MONDO:0007937, OMIM 154020.

Allele frequency attached by ClinVar (database versions not stated): ExAC 0.00819; gnomAD 0.02587 and 0.02777; TOPMed 0.02871; ESP Exome Variant Server 0.02924; 1000 Genomes Project 0.02975; 1000 Genomes Project 30x 0.03295.
gnomAD v4.1: 7,626 of 1,613,782 alleles (0.47%); highest among the groups gnomAD compares: African/African-American, 9%; 301 homozygotes.

Submissions (4):

Mayo Clinic Laboratories, Mayo Clinic
Classification: Benign. Last evaluated: 2023-03-26. Review status: criteria provided, single submitter. Criteria: ACMG Guidelines, 2015. Collection method: clinical testing. Allele origin: germline. Observed: 10 variant alleles.

GeneDx
Classification: Benign. Last evaluated: 2020-04-02. Review status: criteria provided, single submitter. Criteria: GeneDx Variant Classification Process June 2021. Collection method: clinical testing. Allele origin: germline. Affected: yes.

Illumina Laboratory Services, Illumina
Classification: Benign for Renal hypomagnesemia 2. Last evaluated: 2018-01-13. Review status: criteria provided, single submitter. Criteria: ICSL Variant Classification Criteria 13 December 2019. Collection method: clinical testing. Allele origin: germline.
Comment: This variant was observed in the ICSL laboratory as part of a predisposition screen in an ostensibly healthy population. It had not been previously curated by ICSL or reported in the Human Gene Mutation Database (HGMD: prior to June 1st, 2018), and was therefore a candidate for classification through an automated scoring system. Utilizing variant allele frequency, disease prevalence and penetrance estimates, and inheritance mode, an automated score was calculated to assess if this variant is too frequent to cause the disease. Based on the score and internal cut-off values, a variant classified as benign is not then subjected to further curation. The score for this variant resulted in a classification of benign for this disease.

Breakthrough Genomics
Classification: Benign. Review status: criteria provided, single submitter. Criteria: ACMG Guidelines, 2015. Collection method: not provided. Allele origin: germline. Inheritance: Autosomal dominant inheritance. Affected: yes.